The following is an entry in ClinVar:

NM_078629.4(MSL3):c.1095C>T (p.Ser365=)

Gene: MSL3 (MSL complex subunit 3; plus strand). Cytogenetic location: Xp22.2.
Variant type: single nucleotide variant.
Coding change: c.1095C>T on transcript NM_078629.4 (MANE Select); coding-DNA position 1095, C replaced by T.
Protein change: p.Ser365=; no amino-acid change (serine 365 retained).
Molecular consequence: synonymous variant.
Genome position (GRCh38, 1-based): chrX:11,765,653, C>T. VCF-style: chrX-11765653-C-T. GRCh37 (hg19) VCF-style: chrX-11783772-C-T.
Other names: c.1059C>T, p.Ser353= (NM_001193270.2); c.648C>T, p.Ser216= (NM_001282174.1); c.597C>T, p.Ser199= (NM_006800.4); c.1095C>T, p.Ser365= (NM_078628.2).
Identifiers: ClinVar variation 3042372 (VCV003042372.3), dbSNP rs141301691, ClinGen allele CA10348897.

ClinVar aggregate classification (germline): Likely benign. Review status: criteria provided, single submitter (1 of 4 stars). 2 submissions from 2 submitters: Likely benign (1). 1 of the submissions does not count toward it. Last evaluated 2024-10-18.

Conditions:
MSL3-related disorder. Also called: MSL3-related condition.

Allele frequency attached by ClinVar (database versions not stated): gnomAD exomes 0.00056; ExAC 0.00174; gnomAD 0.00478; ESP Exome Variant Server 0.00492; TOPMed 0.00577; 1000 Genomes Project 30x 0.00832; 1000 Genomes Project 0.00874.

Submissions (2):

Blueprint Genetics
Classification: Likely benign. Last evaluated: 2024-10-18. Review status: criteria provided, single submitter. Criteria: ACMG Guidelines, 2015. Collection method: clinical testing. Allele origin: germline.

PreventionGenetics, part of Exact Sciences
Classification: Benign for MSL3-related condition. Last evaluated: 2019-07-12. Review status: no assertion criteria provided. Collection method: clinical testing. Allele origin: germline. Not counted in ClinVar's aggregate classification.
Comment: This variant is classified as benign based on ACMG/AMP sequence variant interpretation guidelines (Richards et al. 2015 PMID: 25741868, with internal and published modifications).